The following is an entry in ClinVar:

NM_001009999.3(KDM1A):c.979T>G (p.Leu327Val)

Gene: KDM1A (lysine demethylase 1A; plus strand). Cytogenetic location: 1p36.12.
Variant type: single nucleotide variant.
Coding change: c.979T>G on transcript NM_001009999.3 (MANE Select); coding-DNA position 979, T replaced by G.
Protein change: p.Leu327Val; replaces leucine 327 with valine.
Molecular consequence: missense variant.
Genome position (GRCh38, 1-based): chr1:23,056,027, T>G. VCF-style: chr1-23056027-T-G. GRCh37 (hg19) VCF-style: chr1-23382520-T-G.
Other names: c.919T>G, p.Leu307Val (NM_001363654.2, NM_001410763.1, NM_015013.4); c.979T>G, p.Leu327Val (NM_001410762.1); short protein forms L327V, L307V.
Identifiers: ClinVar variation 3863361 (VCV003863361.1).
Genomic context (GRCh38, chr1:23,056,027, plus strand): 5'-GGGGTCTCAGGCTTGGCAGCAGCTCGACAGTTACAAAGTTTTGGAATGGATGTCACACTT[T>G]TGGAAGCCAGGGTAAGAATTTCATTTTGAGTTTAGAGGCTTGACCTATTGGAAATATGGT-3'
Protein context (NP_001009999.1, residues 317-337): LQSFGMDVTL[Leu327Val]EARDRVGGRV

ClinVar aggregate classification (germline): Uncertain significance (1 of 4 stars; one submission).

Conditions:
Inborn genetic diseases. Identifiers: MedGen C0950123, MeSH D030342.

Submission:

Ambry Genetics
Classification: Uncertain significance for Inborn genetic diseases. Last evaluated: 2025-03-04. Review status: criteria provided, single submitter. Criteria: Ambry Variant Classification Scheme 2023. Collection method: clinical testing. Allele origin: germline.
Comment: The p.L327V variant (also known as c.979T>G), located in coding exon 7 of the KDM1A gene, results from a T to G substitution at nucleotide position 979. The leucine at codon 327 is replaced by valine, an amino acid with highly similar properties. This amino acid position is conserved. In addition, this alteration is predicted to be deleterious by in silico analysis. Based on the available evidence, the clinical significance of this variant remains unclear.